The following is an entry in ClinVar:

NM_007098.4(CLTCL1):c.4647G>A (p.Leu1549=)

Gene: CLTCL1 (clathrin heavy chain like 1; minus strand). Cytogenetic location: 22q11.21.
Variant type: single nucleotide variant.
Coding change: c.4647G>A on transcript NM_007098.4 (MANE Select); coding-DNA position 4647, G replaced by A.
Protein change: p.Leu1549=; no amino-acid change (leucine 1549 retained).
Molecular consequence: synonymous variant.
Genome position (GRCh38, 1-based): chr22:19,183,570, C>T on the plus strand (G>A on the coding strand, the complement: CLTCL1 is on the minus strand). VCF-style: chr22-19183570-C-T. GRCh37 (hg19) VCF-style: chr22-19171083-C-T.
Other names: c.4476G>A, p.Leu1492= (NM_001835.4).
Identifiers: ClinVar variation 3039365 (VCV003039365.2), dbSNP rs149854151, ClinGen allele CA10097666.

ClinVar aggregate classification (germline): Likely benign (0 of 4 stars; one submission).

Conditions:
CLTCL1-related disorder. Also called: CLTCL1-related condition.

Allele frequency attached by ClinVar (database versions not stated): gnomAD exomes 0.00013; ExAC 0.00036; 1000 Genomes Project 30x 0.00094; 1000 Genomes Project 0.00100; gnomAD 0.00112; TOPMed 0.00124; ESP Exome Variant Server 0.00155.
gnomAD v4.1: 363 of 1,613,796 alleles (0.022%); highest among the groups gnomAD compares: African/African-American, 0.4%; 1 homozygote.

Submission:

PreventionGenetics, part of Exact Sciences
Classification: Likely benign for CLTCL1-related condition. Last evaluated: 2020-02-18. Review status: no assertion criteria provided. Collection method: clinical testing. Allele origin: germline.
Comment: This variant is classified as likely benign based on ACMG/AMP sequence variant interpretation guidelines (Richards et al. 2015 PMID: 25741868, with internal and published modifications).